The following is an entry in ClinVar:

ClinVar aggregate classification (germline): Uncertain significance (1 of 4 stars; one submission).

Conditions:
Neuroblastoma, susceptibility to, 3. Also called: ALK-Related Neuroblastic Tumor Susceptibility. Identifiers: Orphanet 635, MedGen C2751681, MONDO:0013083, OMIM 613014.

Submission:

Labcorp Genetics (formerly Invitae), Labcorp
Classification: Uncertain significance for Neuroblastoma, susceptibility to, 3. Last evaluated: 2018-10-09. Review status: criteria provided, single submitter. Criteria: Invitae Variant Classification Sherloc (09022015). Collection method: clinical testing. Allele origin: germline.
Comment: In summary, the available evidence is currently insufficient to determine the role of this variant in disease. Therefore, it has been classified as a Variant of Uncertain Significance. This variant has not been reported in the literature in individuals with ALK-related disease. This variant is a sub-genic deletion of the genomic region encompassing exons 2-28 of the ALK gene. While this deletion is not anticipated to result in nonsense mediated decay, it is expected to create a truncated protein product.

NC_000002.12:g.(?_29196760)_(29717707_?)del

Genes: ALK (ALK receptor tyrosine kinase; minus strand), LOC105374389 (uncharacterized LOC105374389; minus strand), LOC122756683 (Sharpr-MPRA regulatory region 127; plus strand), LOC122756684 (Sharpr-MPRA regulatory region 9206; plus strand). Cytogenetic location: 2p23.2.
Variant type: Deletion.
Identifiers: ClinVar variation 642044 (VCV000642044.3).